The following is an entry in ClinVar:

NM_152424.4(AMER1):c.2204C>T (p.Ala735Val)

Gene: AMER1 (APC membrane recruitment protein 1; minus strand). Cytogenetic location: Xq11.2.
Variant type: single nucleotide variant.
Coding change: c.2204C>T on transcript NM_152424.4 (MANE Select); coding-DNA position 2204, C replaced by T.
Protein change: p.Ala735Val; replaces alanine 735 with valine.
Molecular consequence: missense variant.
Genome position (GRCh38, 1-based): chrX:64,191,083, G>A on the plus strand (C>T on the coding strand, the complement: AMER1 is on the minus strand). VCF-style: chrX-64191083-G-A. GRCh37 (hg19) VCF-style: chrX-63410963-G-A.
Other names: short protein forms A735V.
Identifiers: ClinVar variation 3534998 (VCV003534998.2).

ClinVar aggregate classification (germline): Conflicting classifications of pathogenicity. Review status: criteria provided, conflicting classifications (1 of 4 stars). 2 submissions from 2 submitters: Uncertain significance (1); Likely benign (1). Last evaluated 2025-10-13.

Conditions:
Inborn genetic diseases. Identifiers: MedGen C0950123, MeSH D030342.

Submissions (2):

Labcorp Genetics (formerly Invitae), Labcorp
Classification: Uncertain significance. Last evaluated: 2025-10-13. Review status: criteria provided, single submitter. Criteria: Invitae Variant Classification Sherloc (09022015). Collection method: clinical testing. Allele origin: germline.
Comment: This sequence change replaces alanine, which is neutral and non-polar, with valine, which is neutral and non-polar, at codon 735 of the AMER1 protein (p.Ala735Val). This variant is present in population databases (rs376200415, gnomAD 0.006%), including at least one homozygous and/or hemizygous individual. This variant has not been reported in the literature in individuals affected with AMER1-related conditions. ClinVar contains an entry for this variant (Variation ID: 3534998). An algorithm developed to predict the effect of missense changes on protein structure and function (PolyPhen-2) suggests that this variant is likely to be tolerated. In summary, the available evidence is currently insufficient to determine the role of this variant in disease. Therefore, it has been classified as a Variant of Uncertain Significance.

Ambry Genetics
Classification: Likely benign for Inborn genetic diseases. Last evaluated: 2024-06-28. Review status: criteria provided, single submitter. Criteria: Ambry Variant Classification Scheme 2023. Collection method: clinical testing. Allele origin: germline.